The following is an entry in ClinVar:

GRCh38/hg38 17p12(chr17:15249474-15259215)x1

Genes: MIR4731 (microRNA 4731; minus strand), PMP22 (peripheral myelin protein 22; minus strand). Cytogenetic location: 17p12.
Variant type: copy number loss.
Change: copy number 1 (one copy instead of two) of chr17:15,249,474-15,259,215 (9.7 kb, GRCh38 coordinates, 1-based), cytogenetic band 17p12.
Identifiers: ClinVar variation 58295 (VCV000058295.2).

ClinVar aggregate classification (germline): Pathogenic (1 of 4 stars; one submission).

Submission:

ISCA site 14
Classification: Pathogenic. Last evaluated: 2017-09-06. Review status: criteria provided, single submitter. Criteria: Kaminsky et al. (Genet Med. 2011). Collection method: clinical testing. Allele origin: unknown. Affected: yes. Observed: 1 variant allele.
Comment: Abnormality of gait, cerebral palsy.

Copy number variation identified through the course of routine clinical cytogenomic testing in postnatal populations. Clinical assertions have been curated as described in Kaminsky et al. 2011.